The following is an entry in ClinVar:

NM_001267550.2(TTN):c.2776-7_2776-6del

Gene: TTN (titin; minus strand). Cytogenetic location: 2q31.2.
Variant type: Deletion.
Coding change: c.2776-7_2776-6del on transcript NM_001267550.2 (MANE Select); 7 bases into the intron before coding-DNA position 2776 through 6 bases into the intron before coding-DNA position 2776, 2 bases deleted (AA; older notation c.2776-7_2776-6delAA).
Molecular consequence: intron variant.
Genome position (GRCh38, 1-based): chr2:178,783,791-178,783,792, TT deleted on the plus strand (AA on the coding strand, the reverse complement: TTN is on the minus strand); deleting any 2 consecutive bases within chr2:178,783,791-178,783,795 gives the same sequence; the c. name uses the placement nearest the transcript's 3' end. VCF-style (leftmost placement, unchanged base first): chr2-178783790-ATT-A. GRCh37 (hg19) VCF-style: chr2-179648517-ATT-A.
Other names: c.2638-7_2638-6del (NM_003319.4, NM_133437.4, NM_133432.3); c.2776-7_2776-6del (NM_133378.4, NM_001256850.1, NM_133379.5).
Identifiers: ClinVar variation 4529908 (VCV004529908.2).

ClinVar aggregate classification (germline): Conflicting classifications of pathogenicity. Review status: criteria provided, conflicting classifications (1 of 4 stars). 2 submissions from 2 submitters: Uncertain significance (1); Likely benign (1). Last evaluated 2025-06-23.

Conditions:
Autosomal recessive limb-girdle muscular dystrophy type 2J (LGMDR10). Also called: Limb-girdle muscular dystrophy, type 2J; MUSCULAR DYSTROPHY, LIMB-GIRDLE, AUTOSOMAL RECESSIVE 10. Identifiers: Orphanet 140922, MedGen C1837342, MONDO:0012127, OMIM 608807.
Dilated cardiomyopathy 1G (CMD1G). Identifiers: Orphanet 154, MedGen C1858763, MONDO:0011400, OMIM 604145.

Submissions (2):

Labcorp Genetics (formerly Invitae), Labcorp
Classification: Likely benign for Dilated cardiomyopathy 1G; Autosomal recessive limb-girdle muscular dystrophy type 2J. Last evaluated: 2025-06-23. Review status: criteria provided, single submitter. Criteria: Invitae Variant Classification Sherloc (09022015). Collection method: clinical testing. Allele origin: germline.

GeneDx
Classification: Uncertain significance. Last evaluated: 2025-05-13. Review status: criteria provided, single submitter. Criteria: GeneDx Variant Classification Process June 2021. Collection method: clinical testing. Allele origin: germline. Affected: yes.
Comment: Not observed at significant frequency in large population cohorts (gnomAD); Has not been previously published as pathogenic or benign to our knowledge; In silico analysis is inconclusive as to whether the variant alters gene splicing. In the absence of RNA/functional studies, the actual effect of this sequence change is unknown.